The following is an entry in ClinVar:

ClinVar aggregate classification (germline): Uncertain significance (1 of 4 stars; one submission).

Conditions:
Tuberous sclerosis 1 (TSC1). Identifiers: Orphanet 805, MedGen C1854465, MONDO:0008612, OMIM 191100.

Submission:

Labcorp Genetics (formerly Invitae), Labcorp
Classification: Uncertain significance for Tuberous sclerosis 1. Last evaluated: 2023-12-06. Review status: criteria provided, single submitter. Criteria: Invitae Variant Classification Sherloc (09022015). Collection method: clinical testing. Allele origin: unknown.
Comment: This variant is a gross deletion of the genomic region encompassing exon(s) 18-20 of the TSC1 gene. This variant would be expected to be in-frame, preserving the integrity of the reading frame. This variant has not been reported in the literature in individuals affected with TSC1-related conditions. Experimental studies and prediction algorithms are not available or were not evaluated, and the functional significance of this variant is currently unknown. In summary, the available evidence is currently insufficient to determine the role of this variant in disease. Therefore, it has been classified as a Variant of Uncertain Significance.

NC_000009.11:g.(?_135775735)_(135778194_?)del

Gene: TSC1 (TSC complex subunit 1; minus strand). Cytogenetic location: 9q34.13.
Variant type: Deletion.
Identifiers: ClinVar variation 3245186 (VCV003245186.1).